The following is an entry in ClinVar:

NC_000007.14:g.(?_76303782)_(76304193_?)del

Gene: HSPB1 (heat shock protein family B (small) member 1; plus strand). Cytogenetic location: 7q11.23.
Variant type: Deletion.
Identifiers: ClinVar variation 533819 (VCV000533819.1).

ClinVar aggregate classification (germline): Likely pathogenic (1 of 4 stars; one submission).

Conditions:
Charcot-Marie-Tooth disease axonal type 2F (CMT2F). Also called: CHARCOT-MARIE-TOOTH DISEASE, NEURONAL, TYPE 2F; Charcot-Marie-Tooth Neuropathy Type 2F. Identifiers: Orphanet 99940, MedGen C1847823, MONDO:0011687, OMIM 606595.

Submission:

Labcorp Genetics (formerly Invitae), Labcorp
Classification: Likely pathogenic for Charcot-Marie-Tooth disease axonal type 2F. Last evaluated: 2017-12-01. Review status: criteria provided, single submitter. Criteria: Invitae Variant Classification Sherloc (09022015). Collection method: clinical testing. Allele origin: germline.
Comment: This variant is a gross deletion of the genomic region encompassing exons 2-3 of the HSPB1 gene. The 5' boundary is likely confined to intron 1. The 3' end of this event is unknown as it extends through the termination codon beyond the assayed region for this gene and may encompass additional genes. While this deletion is not anticipated to result in nonsense mediated decay, it is expected to create a truncated protein product or disrupt mRNA translation. This variant has not been reported in individuals affected with HSPB1-related disorders. A different variant (p.Q175*) that results in the truncation of the last 30 amino acids of the HSPB1 protein has been determined to be pathogenic (PMID: 22734906, 28144995). This suggests that other variants that result in C-terminal truncations may also be pathogenic. In summary, the currently available evidence indicates that the variant is pathogenic, but additional data are needed to prove that conclusively. Therefore, this variant has been classified as Likely Pathogenic.

Literature cited by the submitters: PubMed 22734906; PubMed 28144995.